The following is an entry in ClinVar:

ClinVar aggregate classification (germline): Likely pathogenic (1 of 4 stars; one submission).

Conditions:
Nephronophthisis 9 (NPHP9). Identifiers: Orphanet 655, MedGen C3151188, MONDO:0013444, OMIM 613824.

Allele frequency attached by ClinVar (database versions not stated): gnomAD exomes below 0.00001.
gnomAD v4.1: 1 of 1,614,016 alleles (0.000062%); highest among the groups gnomAD compares: Non-Finnish European, 0.000085%; no homozygotes.

Submission:

Labcorp Genetics (formerly Invitae), Labcorp
Classification: Likely pathogenic for Nephronophthisis 9. Last evaluated: 2023-04-10. Review status: criteria provided, single submitter. Criteria: Invitae Variant Classification Sherloc (09022015). Collection method: clinical testing. Allele origin: germline.
Comment: In summary, the currently available evidence indicates that the variant is pathogenic, but additional data are needed to prove that conclusively. Therefore, this variant has been classified as Likely Pathogenic. Algorithms developed to predict the effect of sequence changes on RNA splicing suggest that this variant may disrupt the consensus splice site. This variant has not been reported in the literature in individuals affected with NEK8-related conditions. This variant is not present in population databases (gnomAD no frequency). This sequence change affects an acceptor splice site in intron 10 of the NEK8 gene. It is expected to disrupt RNA splicing. Variants that disrupt the donor or acceptor splice site typically lead to a loss of protein function (PMID: 16199547), and loss-of-function variants in NEK8 are known to be pathogenic (PMID: 23418306, 26967905).

Literature cited by the submitters: PubMed 16199547; PubMed 23418306; PubMed 26967905.

NM_178170.3(NEK8):c.1418-2A>C

Gene: NEK8 (NIMA related kinase 8; plus strand). Cytogenetic location: 17q11.2.
Variant type: single nucleotide variant.
Coding change: c.1418-2A>C on transcript NM_178170.3 (MANE Select); the canonical splice acceptor site of the intron before coding-DNA position 1418, A replaced by C.
Molecular consequence: splice acceptor variant.
Genome position (GRCh38, 1-based): chr17:28,740,461, A>C. VCF-style: chr17-28740461-A-C. GRCh37 (hg19) VCF-style: chr17-27067479-A-C.
Identifiers: ClinVar variation 2854673 (VCV002854673.3), dbSNP rs2544444797, ClinGen allele CA398356115.